The following is an entry in ClinVar:

ClinVar aggregate classification (germline): Uncertain significance. Review status: criteria provided, multiple submitters, no conflicts (2 of 4 stars). 2 submissions from 2 submitters: Uncertain significance (2). Last evaluated 2024-11-09.

Allele frequency attached by ClinVar (database versions not stated): gnomAD exomes below 0.00001; ExAC 0.00003; gnomAD 0.00003; TOPMed 0.00003; ESP Exome Variant Server 0.00015.
gnomAD v4.1: 12 of 1,613,976 alleles (0.00074%); highest among the groups gnomAD compares: African/African-American, 0.016%; no homozygotes.

Submissions (2):

Labcorp Genetics (formerly Invitae), Labcorp
Classification: Uncertain significance. Last evaluated: 2024-11-09. Review status: criteria provided, single submitter. Criteria: Invitae Variant Classification Sherloc (09022015). Collection method: clinical testing. Allele origin: germline.
Comment: This sequence change replaces aspartic acid, which is acidic and polar, with tyrosine, which is neutral and polar, at codon 116 of the TUBA8 protein (p.Asp116Tyr). This variant is present in population databases (rs370865072, gnomAD 0.03%). This variant has not been reported in the literature in individuals affected with TUBA8-related conditions. ClinVar contains an entry for this variant (Variation ID: 3184733). Invitae Evidence Modeling of protein sequence and biophysical properties (such as structural, functional, and spatial information, amino acid conservation, physicochemical variation, residue mobility, and thermodynamic stability) indicates that this missense variant is expected to disrupt TUBA8 protein function with a positive predictive value of 80%. In summary, the available evidence is currently insufficient to determine the role of this variant in disease. Therefore, it has been classified as a Variant of Uncertain Significance.

Ambry Genetics
Classification: Uncertain significance. Last evaluated: 2023-12-21. Review status: criteria provided, single submitter. Criteria: Ambry Variant Classification Scheme 2023. Collection method: clinical testing. Allele origin: germline.

NM_018943.3(TUBA8):c.346G>T (p.Asp116Tyr)

Gene: TUBA8 (tubulin alpha 8; plus strand). Cytogenetic location: 22q11.21.
Variant type: single nucleotide variant.
Coding change: c.346G>T on transcript NM_018943.3 (MANE Select); coding-DNA position 346, G replaced by T.
Protein change: p.Asp116Tyr; replaces aspartic acid 116 with tyrosine.
Molecular consequence: missense variant.
Genome position (GRCh38, 1-based): chr22:18,124,275, G>T. VCF-style: chr22-18124275-G-T. GRCh37 (hg19) VCF-style: chr22-18607042-G-T.
Other names: c.148G>T, p.Asp50Tyr (NM_001193414.2); short protein forms D116Y, D50Y.
Identifiers: ClinVar variation 3184733 (VCV003184733.3), dbSNP rs370865072, ClinGen allele CA10093646.